The following is an entry in ClinVar:

ClinVar aggregate classification (germline): Uncertain significance (1 of 4 stars; one submission).

Submission:

Labcorp Genetics (formerly Invitae), Labcorp
Classification: Uncertain significance. Last evaluated: 2022-08-31. Review status: criteria provided, single submitter. Criteria: Invitae Variant Classification Sherloc (09022015). Collection method: clinical testing. Allele origin: germline.
Comment: This sequence change replaces glycine, which is neutral and non-polar, with arginine, which is basic and polar, at codon 11 of the CD59 protein (p.Gly11Arg). This variant is present in population databases (rs377227068, gnomAD 0.01%). This variant has not been reported in the literature in individuals affected with CD59-related conditions. Algorithms developed to predict the effect of missense changes on protein structure and function output the following: SIFT: "Tolerated"; PolyPhen-2: "Probably Damaging"; Align-GVGD: "Class C0". The arginine amino acid residue is found in multiple mammalian species, which suggests that this missense change does not adversely affect protein function. Algorithms developed to predict the effect of sequence changes on RNA splicing suggest that this variant may create or strengthen a splice site. In summary, the available evidence is currently insufficient to determine the role of this variant in disease. Therefore, it has been classified as a Variant of Uncertain Significance.

NM_000611.6(CD59):c.31G>A (p.Gly11Arg)

Gene: CD59 (CD59 molecule (CD59 blood group); minus strand). Cytogenetic location: 11p13.
Variant type: single nucleotide variant.
Coding change: c.31G>A on transcript NM_000611.6 (MANE Select); coding-DNA position 31, G replaced by A.
Protein change: p.Gly11Arg; replaces glycine 11 with arginine.
Molecular consequence: missense variant.
Genome position (GRCh38, 1-based): chr11:33,722,415, C>T on the plus strand (G>A on the coding strand, the complement: CD59 is on the minus strand). VCF-style: chr11-33722415-C-T. GRCh37 (hg19) VCF-style: chr11-33743961-C-T.
Other names: c.31G>A, p.Gly11Arg (NM_001127223.1, NM_001127225.2, NM_001127226.2 and 4 more transcripts); short protein forms G11R.
Identifiers: ClinVar variation 1944714 (VCV001944714.2), dbSNP rs377227068, ClinGen allele CA5940800.